The following is an entry in ClinVar:

ClinVar aggregate classification (germline): Conflicting classifications of pathogenicity. Review status: criteria provided, conflicting classifications (1 of 4 stars). 3 submissions from 3 submitters: Uncertain significance (2); Likely benign (1). Last evaluated 2025-04-01.

Conditions:
Familial cancer of breast. Also called: BREAST CANCER, FAMILIAL; hereditary breast carcinoma; Hereditary breast cancer. Identifiers: Orphanet 227535, MedGen C0346153, MONDO:0016419, OMIM 114480. Disease mechanism: loss of function.
Hereditary cancer-predisposing syndrome. Also called: Neoplastic Syndromes, Hereditary; Tumor predisposition; Hereditary Cancer Syndrome; Hereditary neoplastic syndrome. Identifiers: Orphanet 140162, MedGen C0027672, MeSH D009386, MONDO:0015356.

Allele frequency attached by ClinVar (database versions not stated): gnomAD 0.00001; TOPMed 0.00001.
gnomAD v4.1: 2 of 1,613,858 alleles (0.00012%); highest among the groups gnomAD compares: African/African-American, 0.0027%; no homozygotes.

Submissions (3):

Labcorp Genetics (formerly Invitae), Labcorp
Classification: Uncertain significance for Familial cancer of breast. Last evaluated: 2025-04-01. Review status: criteria provided, single submitter. Criteria: Invitae Variant Classification Sherloc (09022015). Collection method: clinical testing. Allele origin: germline.
Comment: This sequence change replaces arginine, which is basic and polar, with threonine, which is neutral and polar, at codon 642 of the BARD1 protein (p.Arg642Thr). This variant is present in population databases (no rsID available, gnomAD 0.01%). This variant has not been reported in the literature in individuals affected with BARD1-related conditions. ClinVar contains an entry for this variant (Variation ID: 460732). An algorithm developed to predict the effect of missense changes on protein structure and function outputs the following: PolyPhen-2: "Benign". The threonine amino acid residue is found in multiple mammalian species, which suggests that this missense change does not adversely affect protein function. In summary, the available evidence is currently insufficient to determine the role of this variant in disease. Therefore, it has been classified as a Variant of Uncertain Significance.

Ambry Genetics
Classification: Likely benign for Hereditary cancer-predisposing syndrome. Last evaluated: 2024-02-26. Review status: criteria provided, single submitter. Criteria: Ambry Variant Classification Scheme 2023. Collection method: clinical testing. Allele origin: germline.

GeneDx
Classification: Uncertain significance. Last evaluated: 2023-11-10. Review status: criteria provided, single submitter. Criteria: GeneDx Variant Classification Process June 2021. Collection method: clinical testing. Allele origin: germline. Affected: yes.
Comment: Not observed at significant frequency in large population cohorts (gnomAD); In silico analysis supports that this missense variant does not alter protein structure/function; Has not been previously published as pathogenic or benign to our knowledge; This variant is associated with the following publications: (PMID: 17550235)

NM_000465.4(BARD1):c.1925G>C (p.Arg642Thr)

Gene: BARD1 (BRCA1 associated RING domain 1; minus strand). Cytogenetic location: 2q35.
Variant type: single nucleotide variant.
Coding change: c.1925G>C on transcript NM_000465.4 (MANE Select); coding-DNA position 1925, G replaced by C.
Protein change: p.Arg642Thr; replaces arginine 642 with threonine.
Molecular consequence: missense variant. On other transcripts: non-coding transcript variant (3).
Genome position (GRCh38, 1-based): chr2:214,730,487, C>G on the plus strand (G>C on the coding strand, the complement: BARD1 is on the minus strand). VCF-style: chr2-214730487-C-G. GRCh37 (hg19) VCF-style: chr2-215595211-C-G.
Other names: c.1868G>C, p.Arg623Thr (NM_001282543.2); c.572G>C, p.Arg191Thr (NM_001282545.2); c.515G>C, p.Arg172Thr (NM_001282548.2); c.386G>C, p.Arg129Thr (NM_001282549.2); short protein forms R642T, R129T, R623T, R172T, R191T.
Identifiers: ClinVar variation 460732 (VCV000460732.13), dbSNP rs1420797541, ClinGen allele CA350451274.